The following is an entry in ClinVar:

NM_001348716.2(KDM6B):c.3379C>T (p.Arg1127Trp)

Gene: KDM6B (lysine demethylase 6B; plus strand). Cytogenetic location: 17p13.1.
Variant type: single nucleotide variant.
Coding change: c.3379C>T on transcript NM_001348716.2 (MANE Select); coding-DNA position 3379, C replaced by T.
Protein change: p.Arg1127Trp; replaces arginine 1127 with tryptophan.
Molecular consequence: missense variant.
Genome position (GRCh38, 1-based): chr17:7,849,667, C>T. VCF-style: chr17-7849667-C-T. GRCh37 (hg19) VCF-style: chr17-7752985-C-T.
Other names: c.3379C>T, p.Arg1127Trp (NM_001080424.2); c.3379C>T (NM_001080424.1); short protein forms R1127W.
Identifiers: ClinVar variation 4872864 (VCV004872864.3).

ClinVar aggregate classification (germline): Uncertain significance. Review status: criteria provided, multiple submitters, no conflicts (2 of 4 stars). 2 submissions from 2 submitters: Uncertain significance (2). Last evaluated 2026-05-01.

gnomAD v4.1: 24 of 1,609,764 alleles (0.0015%); highest among the groups gnomAD compares: Non-Finnish European, 0.0017%; no homozygotes.

Submissions (2):

CeGaT Center for Human Genetics Tuebingen
Classification: Uncertain significance. Last evaluated: 2026-05-01. Review status: criteria provided, single submitter. Criteria: CeGaT Center For Human Genetics Tuebingen Variant Classification Criteria Version 2. Collection method: clinical testing. Allele origin: germline. Affected: yes. Observed: 1 variant allele.

GeneDx
Classification: Uncertain significance. Last evaluated: 2026-03-12. Review status: criteria provided, single submitter. Criteria: GeneDx Variant Classification Process June 2021. Collection method: clinical testing. Allele origin: germline.
Comment: Not observed at significant frequency in large population cohorts (gnomAD); In silico analysis supports that this missense variant has a deleterious effect on protein structure/function; Has not been previously published as pathogenic or benign to our knowledge